The following is an entry in ClinVar:

NM_000059.4(BRCA2):c.9181T>A (p.Leu3061Ile)

Gene: BRCA2 (BRCA2 DNA repair associated; plus strand). Cytogenetic location: 13q13.1.
Variant type: single nucleotide variant.
Coding change: c.9181T>A on transcript NM_000059.4 (MANE Select); coding-DNA position 9181, T replaced by A.
Protein change: p.Leu3061Ile; replaces leucine 3061 with isoleucine.
Molecular consequence: missense variant. On other transcripts: non-coding transcript variant (1).
Genome position (GRCh38, 1-based): chr13:32,380,070, T>A. VCF-style: chr13-32380070-T-A. GRCh37 (hg19) VCF-style: chr13-32954207-T-A.
Other names: c.9085T>A, p.Leu3029Ile (NM_001406719.1); c.9130T>A, p.Leu3044Ile (NM_001406720.1); c.4249T>A, p.Leu1417Ile (NM_001406721.1); c.2764T>A, p.Leu922Ile (NM_001406722.1); short protein forms L3029I, L3044I, L3061I, L922I, L1417I.
Identifiers: ClinVar variation 2720333 (VCV002720333.3), dbSNP rs2137625119, ClinGen allele CA387758079.

ClinVar aggregate classification (germline): Uncertain significance (1 of 4 stars; one submission).

Conditions:
Hereditary breast ovarian cancer syndrome. Also called: Hereditary breast and ovarian cancer syndrome; Hereditary breast and ovarian cancer; Hereditary breast and ovarian cancer syndrome (HBOC); Hereditary breast and/or ovarian cancer syndrome; Breast and ovarian cancer; BRCA1- and BRCA2-Associated Hereditary Breast and Ovarian Cancer. Identifiers: Orphanet 145, MedGen C0677776, MeSH D061325, MONDO:0003582. Disease mechanism: loss of function.

Submission:

Labcorp Genetics (formerly Invitae), Labcorp
Classification: Uncertain significance for Hereditary breast ovarian cancer syndrome. Last evaluated: 2023-06-21. Review status: criteria provided, single submitter. Criteria: Invitae Variant Classification Sherloc (09022015). Collection method: clinical testing. Allele origin: germline.
Comment: This sequence change replaces leucine, which is neutral and non-polar, with isoleucine, which is neutral and non-polar, at codon 3061 of the BRCA2 protein (p.Leu3061Ile). This variant is not present in population databases (gnomAD no frequency). This variant has not been reported in the literature in individuals affected with BRCA2-related conditions. Advanced modeling of protein sequence and biophysical properties (such as structural, functional, and spatial information, amino acid conservation, physicochemical variation, residue mobility, and thermodynamic stability) performed at Invitae indicates that this missense variant is not expected to disrupt BRCA2 protein function. In summary, the available evidence is currently insufficient to determine the role of this variant in disease. Therefore, it has been classified as a Variant of Uncertain Significance.